The following is an entry in ClinVar:

NM_001267550.2(TTN):c.80997T>A (p.Tyr26999Ter)

Genes: TTN (titin; minus strand), TTN-AS1 (TTN antisense RNA 1; plus strand). Cytogenetic location: 2q31.2.
Variant type: single nucleotide variant.
Coding change: c.80997T>A on transcript NM_001267550.2 (MANE Select); coding-DNA position 80997, T replaced by A.
Protein change: p.Tyr26999Ter; replaces tyrosine 26999 with a stop codon.
Molecular consequence: nonsense.
Genome position (GRCh38, 1-based): chr2:178,565,135, A>T on the plus strand (T>A on the coding strand, the complement: TTN is on the minus strand). VCF-style: chr2-178565135-A-T. GRCh37 (hg19) VCF-style: chr2-179429862-A-T.
Other names: c.76074T>A, p.Tyr25358Ter (NM_001256850.1); c.53802T>A, p.Tyr17934Ter (NM_003319.4); c.73293T>A, p.Tyr24431Ter (NM_133378.4); c.54177T>A, p.Tyr18059Ter (NM_133432.3); c.54378T>A, p.Tyr18126Ter (NM_133437.4); short protein forms Y18126*, Y18059*, Y24431*, Y17934*, Y25358*, Y26999*.
Identifiers: ClinVar variation 2045938 (VCV002045938.4), dbSNP rs753036492, ClinGen allele CA349584593.

ClinVar aggregate classification (germline): Likely pathogenic (1 of 4 stars; one submission).

Conditions:
Dilated cardiomyopathy 1G (CMD1G). Identifiers: Orphanet 154, MedGen C1858763, MONDO:0011400, OMIM 604145.
Autosomal recessive limb-girdle muscular dystrophy type 2J (LGMDR10). Also called: Limb-girdle muscular dystrophy, type 2J; MUSCULAR DYSTROPHY, LIMB-GIRDLE, AUTOSOMAL RECESSIVE 10. Identifiers: Orphanet 140922, MedGen C1837342, MONDO:0012127, OMIM 608807.

Submission:

Labcorp Genetics (formerly Invitae), Labcorp
Classification: Likely pathogenic for Dilated cardiomyopathy 1G; Autosomal recessive limb-girdle muscular dystrophy type 2J. Last evaluated: 2024-05-07. Review status: criteria provided, single submitter. Criteria: Invitae Variant Classification Sherloc (09022015). Collection method: clinical testing. Allele origin: germline.
Comment: This sequence change creates a premature translational stop signal (p.Tyr26999*) in the TTN gene. While this is not anticipated to result in nonsense mediated decay, it is expected to create a truncated TTN protein. This variant is not present in population databases (gnomAD no frequency). This premature translational stop signal has been observed in individual(s) with dilated cardiomyopathy (PMID: 32998006). ClinVar contains an entry for this variant (Variation ID: 2045938). This variant is located in the A band of TTN (PMID: 25589632). Truncating variants in this region are significantly overrepresented in patients affected with dilated cardiomyopathy (PMID: 25589632). Truncating variants in this region have also been reported in individuals affected with autosomal recessive centronuclear myopathy (PMID: 23975875). In summary, the currently available evidence indicates that the variant is pathogenic, but additional data are needed to prove that conclusively. Therefore, this variant has been classified as Likely Pathogenic.

Literature cited by the submitters: PubMed 32998006; PubMed 25589632; PubMed 23975875.